The following is an entry in ClinVar:

ClinVar aggregate classification (germline): Uncertain significance (1 of 4 stars; one submission).

Conditions:
Inborn genetic diseases. Identifiers: MedGen C0950123, MeSH D030342.

Submission:

Ambry Genetics
Classification: Uncertain significance for Inborn genetic diseases. Last evaluated: 2024-12-03. Review status: criteria provided, single submitter. Criteria: Ambry Variant Classification Scheme 2023. Collection method: clinical testing. Allele origin: germline.
Comment: The p.Q513E variant (also known as c.1537C>G), located in coding exon 9 of the RECQL4 gene, results from a C to G substitution at nucleotide position 1537. The glutamine at codon 513 is replaced by glutamic acid, an amino acid with highly similar properties. This amino acid position is conserved. In addition, this alteration is predicted to be deleterious by in silico analysis. Based on the available evidence, the clinical significance of this variant remains unclear.

NM_004260.4(RECQL4):c.1537C>G (p.Gln513Glu)

Gene: RECQL4 (RecQ like helicase 4; minus strand). Cytogenetic location: 8q24.3.
Variant type: single nucleotide variant.
Coding change: c.1537C>G on transcript NM_004260.4 (MANE Select); coding-DNA position 1537, C replaced by G.
Protein change: p.Gln513Glu; replaces glutamine 513 with glutamic acid.
Molecular consequence: missense variant. On other transcripts: non-coding transcript variant (3).
Genome position (GRCh38, 1-based): chr8:144,515,019, G>C on the plus strand (C>G on the coding strand, the complement: RECQL4 is on the minus strand). VCF-style: chr8-144515019-G-C. GRCh37 (hg19) VCF-style: chr8-145740403-G-C.
Other names: c.1441C>G, p.Gln481Glu (NM_001413017.1, NM_001413020.1); c.1537C>G, p.Gln513Glu (NM_001413018.1, NM_001413019.1, NM_001413033.1 and 1 more transcripts); c.466C>G, p.Gln156Glu (NM_001413021.1, NM_001413022.1, NM_001413023.1 and 7 more transcripts); c.1408C>G, p.Gln470Glu (NM_001413025.1); c.400C>G, p.Gln134Glu (NM_001413027.1, NM_001413030.1, NM_001413031.1 and 2 more transcripts); c.1186C>G, p.Gln396Glu (NM_001413029.1); c.1507C>G, p.Gln503Glu (NM_001413039.1); c.436C>G, p.Gln146Glu (NM_001413042.1); and 1 more; short protein forms Q481E, Q470E, Q513E, Q146E, Q503E, Q134E, Q156E, Q24E.
Identifiers: ClinVar variation 3431907 (VCV003431907.1).
Genomic context (GRCh38, chr8:144,515,019, plus strand): 5'-GGGGAGAGACGACCAACGTGAGGCAGGGGCTGCGCCGGCTGTAGAGCAGCGCTGGGAGCT[G>C]GTAGCACAGGGACTTGCCGGCACCTGTAGGCAGCACCAGCAGCGTGGAGATGCCTGGATG-3'
Protein context (NP_004251.4, residues 503-523): PTGAGKSLCY[Gln513Glu]LPALLYSRRS